The following is an entry in ClinVar:

NM_032382.5(COG8):c.193C>A (p.Pro65Thr)

Gene: COG8 (component of oligomeric golgi complex 8; minus strand). Cytogenetic location: 16q22.1.
Variant type: single nucleotide variant.
Coding change: c.193C>A on transcript NM_032382.5 (MANE Select); coding-DNA position 193, C replaced by A.
Protein change: p.Pro65Thr; replaces proline 65 with threonine.
Molecular consequence: missense variant.
Genome position (GRCh38, 1-based): chr16:69,339,360, G>T on the plus strand (C>A on the coding strand, the complement: COG8 is on the minus strand). VCF-style: chr16-69339360-G-T. GRCh37 (hg19) VCF-style: chr16-69373263-G-T.
Other names: c.193C>A, p.Pro65Thr (NM_001374871.1, NM_001379261.1, NM_001379262.1 and 4 more transcripts); short protein forms P65T.
Identifiers: ClinVar variation 2999908 (VCV002999908.3), dbSNP rs754866899, ClinGen allele CA396490659.

ClinVar aggregate classification (germline): Uncertain significance (1 of 4 stars; one submission).

Conditions:
COG8-congenital disorder of glycosylation. Also called: COG8-CDG; CDG IIh. Identifiers: Orphanet 95428, MedGen C1970021, MONDO:0012635, OMIM 611182.

Submission:

Labcorp Genetics (formerly Invitae), Labcorp
Classification: Uncertain significance for COG8-congenital disorder of glycosylation. Last evaluated: 2024-10-29. Review status: criteria provided, single submitter. Criteria: Invitae Variant Classification Sherloc (09022015). Collection method: clinical testing. Allele origin: germline.
Comment: This sequence change replaces proline, which is neutral and non-polar, with threonine, which is neutral and polar, at codon 65 of the COG8 protein (p.Pro65Thr). This variant is not present in population databases (gnomAD no frequency). This variant has not been reported in the literature in individuals affected with COG8-related conditions. Invitae Evidence Modeling of protein sequence and biophysical properties (such as structural, functional, and spatial information, amino acid conservation, physicochemical variation, residue mobility, and thermodynamic stability) indicates that this missense variant is expected to disrupt COG8 protein function with a positive predictive value of 80%. In summary, the available evidence is currently insufficient to determine the role of this variant in disease. Therefore, it has been classified as a Variant of Uncertain Significance.